The following is an entry in ClinVar:

NM_000310.4(PPT1):c.*657G>A

Gene: PPT1 (palmitoyl-protein thioesterase 1; minus strand). Cytogenetic location: 1p34.2.
Variant type: single nucleotide variant.
Coding change: c.*657G>A on transcript NM_000310.4 (MANE Select); 657 bases downstream of the stop codon, G replaced by A.
Molecular consequence: 3 prime UTR variant.
Genome position (GRCh38, 1-based): chr1:40,073,404, C>T on the plus strand (G>A on the coding strand, the complement: PPT1 is on the minus strand). VCF-style: chr1-40073404-C-T. GRCh37 (hg19) VCF-style: chr1-40539076-C-T.
Other names: c.*657G>A (NM_001142604.2, NM_001363695.2).
Identifiers: ClinVar variation 297230 (VCV000297230.8), dbSNP rs1126973, ClinGen allele CA10609885.

ClinVar aggregate classification (germline): Benign. Review status: criteria provided, multiple submitters, no conflicts (2 of 4 stars). 3 submissions from 3 submitters: Benign (3). Last evaluated 2021-05-14.

Conditions:
Neuronal ceroid lipofuscinosis 1 (CLN1). Also called: CEROID LIPOFUSCINOSIS, NEURONAL, 1, VARIABLE AGE AT ONSET; PPT1-Related Neuronal Ceroid-Lipofuscinosis. Identifiers: Orphanet 228329, MedGen C1850451, MONDO:0009744, OMIM 256730.

Allele frequency attached by ClinVar (database versions not stated): 1000 Genomes Project 30x 0.66021; 1000 Genomes Project 0.66733; TOPMed 0.69797; gnomAD 0.70032 and 0.70258; gnomAD exomes 0.73606.
gnomAD v4.1: 107,105 of 152,628 alleles (70%); highest among the groups gnomAD compares: Non-Finnish European, 74%; 37,758 homozygotes.

Submissions (3):

GeneDx
Classification: Benign. Last evaluated: 2021-05-14. Review status: criteria provided, single submitter. Criteria: GeneDx Variant Classification Process June 2021. Collection method: clinical testing. Allele origin: germline. Affected: yes.

Illumina Laboratory Services, Illumina
Classification: Benign for Neuronal ceroid lipofuscinosis 1. Last evaluated: 2018-01-12. Review status: criteria provided, single submitter. Criteria: ICSL Variant Classification Criteria 13 December 2019. Collection method: clinical testing. Allele origin: germline.
Comment: This variant was observed in the ICSL laboratory as part of a predisposition screen in an ostensibly healthy population. It had not been previously curated by ICSL or reported in the Human Gene Mutation Database (HGMD: prior to June 1st, 2018), and was therefore a candidate for classification through an automated scoring system. Utilizing variant allele frequency, disease prevalence and penetrance estimates, and inheritance mode, an automated score was calculated to assess if this variant is too frequent to cause the disease. Based on the score and internal cut-off values, a variant classified as benign is not then subjected to further curation. The score for this variant resulted in a classification of benign for this disease.

Breakthrough Genomics
Classification: Benign. Review status: criteria provided, single submitter. Criteria: ACMG Guidelines, 2015. Collection method: not provided. Allele origin: germline. Inheritance: Autosomal recessive inheritance. Affected: yes.